The following is an entry in ClinVar:

ClinVar aggregate classification (germline): Uncertain significance (1 of 4 stars; one submission).

Conditions:
Familial cold autoinflammatory syndrome 2 (FCAS2). Identifiers: Orphanet 247868, MedGen C2673198, MONDO:0012724, OMIM 611762.

Submission:

Labcorp Genetics (formerly Invitae), Labcorp
Classification: Uncertain significance for Familial cold autoinflammatory syndrome 2. Last evaluated: 2022-07-06. Review status: criteria provided, single submitter. Criteria: Invitae Variant Classification Sherloc (09022015). Collection method: clinical testing. Allele origin: germline.
Comment: This sequence change creates a premature translational stop signal (p.Ala219Glyfs*27) in the NLRP12 gene. It is expected to result in an absent or disrupted protein product. However, the current clinical and genetic evidence is not sufficient to establish whether loss-of-function variants in NLRP12 cause disease. This variant is not present in population databases (gnomAD no frequency). This variant has not been reported in the literature in individuals affected with NLRP12-related conditions. In summary, the available evidence is currently insufficient to determine the role of this variant in disease. Therefore, it has been classified as a Variant of Uncertain Significance.

NM_144687.4(NLRP12):c.654_656delinsAGGA (p.Ala219fs)

Gene: NLRP12 (NLR family pyrin domain containing 12; minus strand). Cytogenetic location: 19q13.42.
Variant type: Indel.
Coding change: c.654_656delinsAGGA on transcript NM_144687.4 (MANE Select); coding-DNA positions 654 to 656, GGC replaced by AGGA.
Protein change: p.Ala219fs; shifts the reading frame from alanine 219.
Molecular consequence: frameshift variant.
Genome position (GRCh38, 1-based): chr19:53,811,003-53,811,005, GCC replaced by TCCT on the plus strand (GGC replaced by AGGA on the coding strand, the reverse complement: NLRP12 is on the minus strand). VCF-style: chr19-53811003-GCC-TCCT. GRCh37 (hg19) VCF-style: chr19-54314257-GCC-TCCT.
Other names: c.654_656delinsAGGA, p.Ala219fs (NM_001277126.2, NM_001277129.1); short protein forms A219fs.
Identifiers: ClinVar variation 969969 (VCV000969969.5), dbSNP rs2092063889, ClinGen allele CA1139666578.